The following is an entry in ClinVar:

ClinVar aggregate classification (germline): Uncertain significance (1 of 4 stars; one submission).

Conditions:
Desmin-related myofibrillar myopathy (MFM1). Also called: Desminopathy; Desmin related myopathy (former name); Desmin storage myopathy (former name); Myofibrillar myopathy 1; MYOFIBRILLAR MYOPATHY WITH ARRHYTHMOGENIC RIGHT VENTRICULAR CARDIOMYOPATHY; DESMIN-RELATED MYOPATHY WITH ARRHYTHMOGENIC RIGHT VENTRICULAR CARDIOMYOPATHY. Identifiers: Orphanet 363543, Orphanet 98909, MedGen C1832370, MONDO:0011076, OMIM 601419.

Submission:

Labcorp Genetics (formerly Invitae), Labcorp
Classification: Uncertain significance for Desmin-related myofibrillar myopathy. Last evaluated: 2024-12-17. Review status: criteria provided, single submitter. Criteria: Invitae Variant Classification Sherloc (09022015). Collection method: clinical testing. Allele origin: germline.
Comment: This sequence change replaces leucine, which is neutral and non-polar, with valine, which is neutral and non-polar, at codon 143 of the DES protein (p.Leu143Val). This variant is not present in population databases (gnomAD no frequency). This variant has not been reported in the literature in individuals affected with DES-related conditions. ClinVar contains an entry for this variant (Variation ID: 946664). Invitae Evidence Modeling of protein sequence and biophysical properties (such as structural, functional, and spatial information, amino acid conservation, physicochemical variation, residue mobility, and thermodynamic stability) has been performed for this missense variant. However, the output from this modeling did not meet the statistical confidence thresholds required to predict the impact of this variant on DES protein function. In summary, the available evidence is currently insufficient to determine the role of this variant in disease. Therefore, it has been classified as a Variant of Uncertain Significance.

NM_001927.4(DES):c.427C>G (p.Leu143Val)

Gene: DES (desmin; plus strand). Cytogenetic location: 2q35.
Variant type: single nucleotide variant.
Coding change: c.427C>G on transcript NM_001927.4 (MANE Select); coding-DNA position 427, C replaced by G.
Protein change: p.Leu143Val; replaces leucine 143 with valine.
Molecular consequence: missense variant.
Genome position (GRCh38, 1-based): chr2:219,418,889, C>G. VCF-style: chr2-219418889-C-G. GRCh37 (hg19) VCF-style: chr2-220283611-C-G.
Other names: c.427C>G, p.Leu143Val (NM_001382708.1, NM_001382709.1, NM_001382710.1 and 3 more transcripts); short protein forms L143V.
Identifiers: ClinVar variation 946664 (VCV000946664.10), dbSNP rs1954376231, ClinGen allele CA350686082.